The following is an entry in ClinVar:

ClinVar aggregate classification (germline): Benign/Likely benign. Review status: criteria provided, multiple submitters, no conflicts (2 of 4 stars). 16 submissions from 16 submitters: Benign (5); Likely benign (10). 1 of the submissions does not count toward it. Last evaluated 2026-05-01.

Conditions:
Connective tissue disorder. Also called: Connective tissue disease. Identifiers: MedGen C0009782, MONDO:0003900.
Congenital contractural arachnodactyly (CCA). Also called: BEALS SYNDROME; Beals-Hecht syndrome; Arthrogryposis, distal, type 9. Identifiers: Orphanet 115, MedGen C0220668, MONDO:0007363, OMIM 121050.
Macular degeneration, early-onset (EOMD). Identifiers: MedGen C4015286, MONDO:0014501, OMIM 616118.
Ehlers-Danlos syndrome (EDS). Identifiers: Orphanet 98249, MedGen C0013720, MONDO:0020066.

Allele frequency attached by ClinVar (database versions not stated): 1000 Genomes Project 0.00100; 1000 Genomes Project 30x 0.00125; ExAC 0.00130; TOPMed 0.00136; gnomAD 0.00137 and 0.00141; ESP Exome Variant Server 0.00238.
gnomAD v4.1: 4,084 of 1,613,716 alleles (0.25%); highest among the groups gnomAD compares: Non-Finnish European, 0.32%; 5 homozygotes.

Submissions (16):

CeGaT Center for Human Genetics Tuebingen
Classification: Likely benign. Last evaluated: 2026-05-01. Review status: criteria provided, single submitter. Criteria: CeGaT Center For Human Genetics Tuebingen Variant Classification Criteria Version 2. Collection method: clinical testing. Allele origin: germline. Affected: yes. Observed: 5 variant alleles.
Comment: FBN2: BP4, BS1

Labcorp Genetics (formerly Invitae), Labcorp
Classification: Benign for Congenital contractural arachnodactyly. Last evaluated: 2026-02-03. Review status: criteria provided, single submitter. Criteria: Invitae Variant Classification Sherloc (09022015). Collection method: clinical testing. Allele origin: germline.

Mayo Clinic Laboratories, Mayo Clinic
Classification: Likely benign. Last evaluated: 2025-09-09. Review status: criteria provided, single submitter. Criteria: ACMG Guidelines, 2015. Collection method: clinical testing. Allele origin: germline. Observed: 6 variant alleles.
Comment: BS1, BS2_supporting, BP4, BP7

ARUP Laboratories, Molecular Genetics and Genomics, ARUP Laboratories
Classification: Benign. Last evaluated: 2025-05-05. Review status: criteria provided, single submitter. Criteria: ARUP Molecular Germline Variant Investigation Process 2024. Collection method: clinical testing. Allele origin: germline.

Blueprint Genetics
Classification: Likely benign. Last evaluated: 2024-11-11. Review status: criteria provided, single submitter. Criteria: ACMG Guidelines, 2015. Collection method: clinical testing. Allele origin: germline.

Women's Health and Genetics/Laboratory Corporation of America, LabCorp
Classification: Benign. Last evaluated: 2023-07-30. Review status: criteria provided, single submitter. Criteria: LabCorp Variant Classification Summary - May 2015. Collection method: clinical testing. Allele origin: germline.

Genome Diagnostics Laboratory, The Hospital for Sick Children
Classification: Likely benign for Ehlers-Danlos syndrome. Last evaluated: 2022-06-22. Review status: criteria provided, single submitter. Criteria: ACMG Guidelines, 2015. Collection method: clinical testing. Allele origin: germline.

Fulgent Genetics
Classification: Likely benign for Congenital contractural arachnodactyly; Macular degeneration, early-onset. Last evaluated: 2021-07-02. Review status: criteria provided, single submitter. Criteria: ACMG Guidelines, 2015. Collection method: clinical testing. Allele origin: unknown.

Illumina Laboratory Services, Illumina
Classification: Benign for Congenital contractural arachnodactyly. Last evaluated: 2018-01-12. Review status: criteria provided, single submitter. Criteria: ICSL Variant Classification Criteria 13 December 2019. Collection method: clinical testing. Allele origin: germline.
Comment: This variant was observed in the ICSL laboratory as part of a predisposition screen in an ostensibly healthy population. It had not been previously curated by ICSL or reported in the Human Gene Mutation Database (HGMD: prior to June 1st, 2018), and was therefore a candidate for classification through an automated scoring system. Utilizing variant allele frequency, disease prevalence and penetrance estimates, and inheritance mode, an automated score was calculated to assess if this variant is too frequent to cause the disease. Based on the score and internal cut-off values, a variant classified as benign is not then subjected to further curation. The score for this variant resulted in a classification of benign for this disease.

Genome Diagnostics Laboratory, University Medical Center Utrecht
Classification: Likely benign for Congenital contractural arachnodactyly. Last evaluated: 2017-10-12. Review status: criteria provided, single submitter. Criteria: ACGS Guidelines, 2013. Collection method: clinical testing. Allele origin: germline. Affected: yes. Study: VKGL Data-share Consensus.

Eurofins Ntd Llc (ga)
Classification: Likely benign. Last evaluated: 2017-03-17. Review status: criteria provided, single submitter. Criteria: EGL Classification Definitions 2015. Collection method: clinical testing. Allele origin: germline. Observed: 1 variant allele, 1 heterozygote.

Center for Human Genetics, Inc
Classification: Likely benign for Connective tissue disorder. Last evaluated: 2016-11-01. Review status: criteria provided, single submitter. Criteria: ACMG Guidelines, 2015. Collection method: clinical testing. Allele origin: germline. Affected: yes.

Clinical Genetics DNA and cytogenetics Diagnostics Lab, Erasmus MC, Erasmus Medical Center
Classification: Likely benign for Congenital contractural arachnodactyly. Last evaluated: 2016-01-08. Review status: criteria provided, single submitter. Criteria: ACGS Guidelines, 2013. Collection method: clinical testing. Allele origin: germline. Affected: yes. Study: VKGL Data-share Consensus.

GeneDx
Classification: Benign. Last evaluated: 2013-07-16. Review status: criteria provided, single submitter. Criteria: GeneDx Variant Classification (06012015). Collection method: clinical testing. Allele origin: germline. Affected: yes.
Comment: This variant is considered likely benign or benign based on one or more of the following criteria: it is a conservative change, it occurs at a poorly conserved position in the protein, it is predicted to be benign by multiple in silico algorithms, and/or has population frequency not consistent with disease.

PreventionGenetics, part of Exact Sciences
Classification: Likely benign. Review status: criteria provided, single submitter. Criteria: ACMG Guidelines, 2015. Collection method: clinical testing. Allele origin: germline.

Genome Diagnostics Laboratory, Amsterdam University Medical Center
Classification: Likely benign. Review status: no assertion criteria provided. Collection method: clinical testing. Allele origin: germline. Affected: yes. Study: VKGL Data-share Consensus. Not counted in ClinVar's aggregate classification.

NM_001999.4(FBN2):c.2555-7A>G

Gene: FBN2 (fibrillin 2; minus strand). Cytogenetic location: 5q23.3.
Variant type: single nucleotide variant.
Coding change: c.2555-7A>G on transcript NM_001999.4 (MANE Select); 7 bases into the intron before coding-DNA position 2555, A replaced by G.
Molecular consequence: intron variant.
Genome position (GRCh38, 1-based): chr5:128,357,402, T>C on the plus strand (A>G on the coding strand, the complement: FBN2 is on the minus strand). VCF-style: chr5-128357402-T-C. GRCh37 (hg19) VCF-style: chr5-127693094-T-C.
Other names: p.?.
Identifiers: ClinVar variation 137321 (VCV000137321.61), dbSNP rs28763949, ClinGen allele CA290863.
Genomic context (GRCh38, chr5:128,357,402, plus strand): 5'-GGTTGTTTCTGCAGGCCCCATTGACACATGGGTTGCTTTCACATTCATTTATATCTACAA[T>C]CCAGAAGGAAAAGATTCTGTTAGAACTGCCATGTGTTTCTGGAAAATATTATTCCAACAA-3'